The following is an entry in ClinVar:

ClinVar aggregate classification (germline): Uncertain significance (1 of 4 stars; one submission).

Submission:

CeGaT Center for Human Genetics Tuebingen
Classification: Uncertain significance. Last evaluated: 2024-06-01. Review status: criteria provided, single submitter. Criteria: CeGaT Center For Human Genetics Tuebingen Variant Classification Criteria Version 2. Collection method: clinical testing. Allele origin: germline. Affected: yes. Observed: 1 variant allele.
Comment: CHD5: PM2

NM_015557.3(CHD5):c.1607C>A (p.Thr536Lys)

Gene: CHD5 (chromodomain helicase DNA binding protein 5; minus strand). Cytogenetic location: 1p36.31.
Variant type: single nucleotide variant.
Coding change: c.1607C>A on transcript NM_015557.3 (MANE Select); coding-DNA position 1607, C replaced by A.
Protein change: p.Thr536Lys; replaces threonine 536 with lysine.
Molecular consequence: missense variant.
Genome position (GRCh38, 1-based): chr1:6,146,407, G>T on the plus strand (C>A on the coding strand, the complement: CHD5 is on the minus strand). VCF-style: chr1-6146407-G-T. GRCh37 (hg19) VCF-style: chr1-6206467-G-T.
Other names: short protein forms T536K.
Identifiers: ClinVar variation 3251033 (VCV003251033.18), dbSNP rs1195000490.